The following is an entry in ClinVar:

NM_004260.4(RECQL4):c.2369G>A (p.Gly790Glu)

Gene: RECQL4 (RecQ like helicase 4; minus strand). Cytogenetic location: 8q24.3.
Variant type: single nucleotide variant.
Coding change: c.2369G>A on transcript NM_004260.4 (MANE Select); coding-DNA position 2369, G replaced by A.
Protein change: p.Gly790Glu; replaces glycine 790 with glutamic acid.
Molecular consequence: missense variant. On other transcripts: non-coding transcript variant (3), intron variant (3).
Genome position (GRCh38, 1-based): chr8:144,513,312, C>T on the plus strand (G>A on the coding strand, the complement: RECQL4 is on the minus strand). VCF-style: chr8-144513312-C-T. GRCh37 (hg19) VCF-style: chr8-145738695-C-T.
Other names: c.2369G>A, p.Gly790Glu (NM_001413019.1, NM_001413036.1); c.2273G>A, p.Gly758Glu (NM_001413020.1); c.1298G>A, p.Gly433Glu (NM_001413021.1, NM_001413022.1, NM_001413023.1 and 5 more transcripts); c.2240G>A, p.Gly747Glu (NM_001413025.1); c.1232G>A, p.Gly411Glu (NM_001413027.1, NM_001413030.1, NM_001413032.1 and 1 more transcripts); c.2018G>A, p.Gly673Glu (NM_001413029.1); c.1100G>A, p.Gly367Glu (NM_001413031.1); c.2237G>A, p.Gly746Glu (NM_001413033.1); and 7 more; short protein forms G411E, G301E, G389E, G673E, G746E, G747E, G780E, G790E.
Identifiers: ClinVar variation 2960527 (VCV002960527.3), dbSNP rs1827611200, ClinGen allele CA372678268.
Genomic context (GRCh38, chr8:144,513,312, plus strand): 5'-TGCCCGTCACGCCCGGCCCGGCCCACGGCCTGCACGTAGCTCTCGAAGCTTGGGGGCAGC[C>T]CCAGATGCAGCACAGCCCGCACATCTGGCCGGTCCAGCCCCATCCCAAAGGCCACCGTGG-3'
Protein context (NP_004251.4, residues 780-800): RPDVRAVLHL[Gly790Glu]LPPSFESYVQ

ClinVar aggregate classification (germline): Uncertain significance (1 of 4 stars; one submission).

Conditions:
Baller-Gerold syndrome (BGS). Also called: CRANIOSYNOSTOSIS WITH RADIAL DEFECTS. Identifiers: Orphanet 1225, MedGen C0265308, MONDO:0009039, OMIM 218600.

Submission:

Labcorp Genetics (formerly Invitae), Labcorp
Classification: Uncertain significance for Baller-Gerold syndrome. Last evaluated: 2023-06-09. Review status: criteria provided, single submitter. Criteria: Invitae Variant Classification Sherloc (09022015). Collection method: clinical testing. Allele origin: germline.
Comment: In summary, the available evidence is currently insufficient to determine the role of this variant in disease. Therefore, it has been classified as a Variant of Uncertain Significance. Advanced modeling of protein sequence and biophysical properties (such as structural, functional, and spatial information, amino acid conservation, physicochemical variation, residue mobility, and thermodynamic stability) performed at Invitae indicates that this missense variant is expected to disrupt RECQL4 protein function. This variant has not been reported in the literature in individuals affected with RECQL4-related conditions. This variant is not present in population databases (gnomAD no frequency). This sequence change replaces glycine, which is neutral and non-polar, with glutamic acid, which is acidic and polar, at codon 790 of the RECQL4 protein (p.Gly790Glu).